The following is an entry in ClinVar:

ClinVar aggregate classification (germline): Likely pathogenic (1 of 4 stars; one submission).

Conditions:
Inborn genetic diseases. Identifiers: MedGen C0950123, MeSH D030342.

Allele frequency attached by ClinVar (database versions not stated): ESP Exome Variant Server 0.00015; ExAC 0.00001; gnomAD exomes below 0.00001; gnomAD 0.00001; TOPMed 0.00001.

Submission:

Ambry Genetics
Classification: Likely pathogenic for Inborn genetic diseases. Review status: criteria provided, single submitter. Criteria: Ambry exome assertion method (8-5-2015). Collection method: clinical testing. Allele origin: germline. Inheritance: Autosomal recessive inheritance. Affected: yes. Observed: 1 heterozygote. Segregation with disease observed.

Literature cited by the submitters: PubMed 25356970.

NM_173659.5(RPUSD3):c.724C>T (p.His242Tyr)

Gene: RPUSD3 (RNA pseudouridine synthase D3; minus strand). Cytogenetic location: 3p25.3.
Variant type: single nucleotide variant.
Coding change: c.724C>T on transcript NM_173659.5 (MANE Select); coding-DNA position 724, C replaced by T.
Protein change: p.His242Tyr; replaces histidine 242 with tyrosine.
Molecular consequence: missense variant. On other transcripts: intron variant (2).
Genome position (GRCh38, 1-based): chr3:9,839,148, G>A on the plus strand (C>T on the coding strand, the complement: RPUSD3 is on the minus strand). VCF-style: chr3-9839148-G-A. GRCh37 (hg19) VCF-style: chr3-9880832-G-A.
Other names: c.679C>T, p.His227Tyr (NM_001142547.3); c.752C>T, p.Ala251Val (NM_001351738.2); c.701-941C>T (NM_001351737.2); c.629-941C>T (NM_001351736.3); short protein forms A251V, H227Y, H242Y.
Identifiers: ClinVar variation 225005 (VCV000225005.3), dbSNP rs142932960, ClinGen allele CA358256.
Genomic context (GRCh38, chr3:9,839,148, plus strand): 5'-TGCCCACACGGGCAGAGTACATGTGGTCCCCAAGCACAGGGCAGAGCTGTAGTACCATGT[G>A]CACCTGTAGTTGACTGGAGAACACTGGGCAACAGGAAAGCCAGGAGAGACAGTGGGCAGC-3'
Protein context (NP_775930.3, residues 232-252): LTVFSSQLQV[His242Tyr]MVLQLCPVLG